The following is an entry in ClinVar:

NM_002454.3(MTRR):c.850C>T (p.Leu284Phe)

Gene: MTRR (5-methyltetrahydrofolate-homocysteine methyltransferase reductase; plus strand). Cytogenetic location: 5p15.31.
Variant type: single nucleotide variant.
Coding change: c.850C>T on transcript NM_002454.3 (MANE Select); coding-DNA position 850, C replaced by T.
Protein change: p.Leu284Phe; replaces leucine 284 with phenylalanine.
Molecular consequence: missense variant. On other transcripts: non-coding transcript variant (14).
Genome position (GRCh38, 1-based): chr5:7,883,224, C>T. VCF-style: chr5-7883224-C-T. GRCh37 (hg19) VCF-style: chr5-7883337-C-T.
Other names: c.850C>T, p.Leu284Phe (NM_001364440.2, NM_001364441.2, NM_001364442.2 and 1 more transcripts); short protein forms L284F.
Identifiers: ClinVar variation 2421183 (VCV002421183.7), dbSNP rs2478890566, ClinGen allele CA359157615.

ClinVar aggregate classification (germline): Uncertain significance (1 of 4 stars; one submission).

Conditions:
Methylcobalamin deficiency type cblE (HMAE). Also called: HOMOCYSTINURIA-MEGALOBLASTIC ANEMIA, cblE COMPLEMENTATION TYPE; VITAMIN B12-RESPONSIVE HOMOCYSTINURIA, cblE TYPE; HOMOCYSTINURIA-MEGALOBLASTIC ANEMIA, cblE TYPE. Identifiers: Orphanet 2169, Orphanet 622, MedGen C1856057, MONDO:0009354, OMIM 236270.

Submission:

Labcorp Genetics (formerly Invitae), Labcorp
Classification: Uncertain significance for Methylcobalamin deficiency type cblE. Last evaluated: 2026-01-12. Review status: criteria provided, single submitter. Criteria: Invitae Variant Classification Sherloc (09022015). Collection method: clinical testing. Allele origin: germline.
Comment: This sequence change replaces leucine, which is neutral and non-polar, with phenylalanine, which is neutral and non-polar, at codon 284 of the MTRR protein (p.Leu284Phe). This variant is not present in population databases (gnomAD no frequency). This variant has not been reported in the literature in individuals affected with MTRR-related conditions. ClinVar contains an entry for this variant (Variation ID: 2421183). Invitae Evidence Modeling of protein sequence and biophysical properties (such as structural, functional, and spatial information, amino acid conservation, physicochemical variation, residue mobility, and thermodynamic stability) indicates that this missense variant is not expected to disrupt MTRR protein function with a negative predictive value of 80%. In summary, the available evidence is currently insufficient to determine the role of this variant in disease. Therefore, it has been classified as a Variant of Uncertain Significance.